The following is an entry in ClinVar:

NM_153240.5(NPHP3):c.187_194del (p.Gly63fs)

Genes: NPHP3 (nephrocystin 3; minus strand), NPHP3-ACAD11 (NPHP3-ACAD11 readthrough (NMD candidate); minus strand), NPHP3-AS1 (NPHP3 antisense RNA 1; plus strand), LOC129937586 (ATAC-STARR-seq lymphoblastoid silent region 14743; plus strand). Cytogenetic location: 3q22.1.
Variant type: Deletion.
Coding change: c.187_194del on transcript NM_153240.5 (MANE Select); coding-DNA positions 187 to 194, 8 bases deleted (GGGGTGGG; older notation c.187_194delGGGGTGGG).
Protein change: p.Gly63fs; shifts the reading frame from glycine 63.
Molecular consequence: frameshift variant. On other transcripts: non-coding transcript variant (3).
Genome position (GRCh38, 1-based): chr3:132,722,162-132,722,169, CCCACCCC deleted on the plus strand (GGGGTGGG on the coding strand, the reverse complement: NPHP3 is on the minus strand). VCF-style (leftmost placement, unchanged base first): chr3-132722161-GCCCACCCC-G. GRCh37 (hg19) VCF-style: chr3-132441005-GCCCACCCC-G.
Other names: short protein forms G63fs.
Identifiers: ClinVar variation 1343749 (VCV001343749.1), dbSNP rs2108007892, ClinGen allele CA2573052085.

ClinVar aggregate classification (germline): Likely pathogenic (1 of 4 stars; one submission).

Conditions:
Joubert syndrome and related disorders. Identifiers: Orphanet 140874, MedGen C5679612, MONDO:0015369.

Submission:

Women's Health and Genetics/Laboratory Corporation of America, LabCorp
Classification: Likely pathogenic for Joubert syndrome and related disorders. Last evaluated: 2022-02-18. Review status: criteria provided, single submitter. Criteria: LabCorp Variant Classification Summary - May 2015. Collection method: clinical testing. Allele origin: germline.
Comment: Variant summary: NPHP3 c.187_194delGGGGTGGG (p.Gly63ArgfsX97) results in a premature termination codon, predicted to cause a truncation of the encoded protein or absence of the protein due to nonsense mediated decay, which are commonly known mechanisms for disease. Truncations upstream and downstream of this position have been cited in ClinVar and HGMD as pathogenic and disease-associated. The variant was absent in 198122 control chromosomes (gnomAD). To our knowledge, no occurrence of c.187_194delGGGGTGGG in individuals affected with Joubert Syndrome And Related Disorders and no experimental evidence demonstrating its impact on protein function have been reported. No clinical diagnostic laboratories have submitted clinical-significance assessments for this variant to ClinVar after 2014. Based on the evidence outlined above, the variant was classified as likely pathogenic.